The following is an entry in ClinVar:

ClinVar aggregate classification (germline): Pathogenic (1 of 4 stars; one submission).

Submission:

Labcorp Genetics (formerly Invitae), Labcorp
Classification: Pathogenic. Last evaluated: 2024-07-22. Review status: criteria provided, single submitter. Criteria: Invitae Variant Classification Sherloc (09022015). Collection method: clinical testing. Allele origin: germline.
Comment: This sequence change creates a premature translational stop signal (p.Ser522*) in the AHR gene. It is expected to result in an absent or disrupted protein product. Loss-of-function variants in AHR are known to be pathogenic (PMID: 24106308, 28851966, 29726989, 31009037). This variant is not present in population databases (gnomAD no frequency). This variant has not been reported in the literature in individuals affected with AHR-related conditions. ClinVar contains an entry for this variant (Variation ID: 2070119). For these reasons, this variant has been classified as Pathogenic.

Literature cited by the submitters: PubMed 24106308; PubMed 28851966; PubMed 29726989; PubMed 31009037.

NM_001621.5(AHR):c.1565C>A (p.Ser522Ter)

Gene: AHR (aryl hydrocarbon receptor; plus strand). Cytogenetic location: 7p21.1.
Variant type: single nucleotide variant.
Coding change: c.1565C>A on transcript NM_001621.5 (MANE Select); coding-DNA position 1565, C replaced by A.
Protein change: p.Ser522Ter; replaces serine 522 with a stop codon.
Molecular consequence: nonsense.
Genome position (GRCh38, 1-based): chr7:17,339,390, C>A. VCF-style: chr7-17339390-C-A. GRCh37 (hg19) VCF-style: chr7-17379014-C-A.
Other names: short protein forms S522*.
Identifiers: ClinVar variation 2070119 (VCV002070119.4), dbSNP rs140760845, ClinGen allele CA366894432.